The following is an entry in ClinVar:

ClinVar aggregate classification (germline): Pathogenic. Review status: criteria provided, multiple submitters, no conflicts (2 of 4 stars). 3 submissions from 3 submitters: Pathogenic (2). 1 of the submissions does not count toward it. Last evaluated 2023-06-22.

Conditions:
Aniridia 1 (AN1). Identifiers: Orphanet 250923, MedGen C0344542, MONDO:0024507, OMIM 106210.
Irido-corneo-trabecular dysgenesis (ASGD5). Also called: ANTERIOR SEGMENT DYSGENESIS 5. Identifiers: Orphanet 708, MedGen C0344559, MONDO:0011414, OMIM 604229, HP:0000659.

Submissions (3):

Neuberg Centre For Genomic Medicine, NCGM
Classification: Pathogenic for Aniridia 1. Last evaluated: 2023-06-22. Review status: criteria provided, single submitter. Criteria: ACMG Guidelines, 2015. Collection method: clinical testing. Allele origin: germline. Inheritance: Autosomal dominant inheritance. Affected: yes.
Comment: The frameshift c.373del (p.Val125SerfsTer13) variant in PAX6 gene has been previously reported in heterozygous state in an individual affected with PAX6-related conditions (Chien et al., 2009). The p.Val125SerfsTer13 variant is absent in gnomAD Exomes. This variant has been submitted to the ClinVar database as Pathogenic. This variant causes a frameshift starting with codon Valine 125, changes this amino acid to Serine residue, and creates a premature Stop codon at position 13 of the new reading frame, denoted p.Val125SerfsTer13. This variant is predicted to cause loss of normal protein function through protein truncation. Loss of function variants in PAX6 gene have been previously reported to be pathogenic (Vincent et al., 2003). For these reasons, this variant has been classified as Pathogenic.

Labcorp Genetics (formerly Invitae), Labcorp
Classification: Pathogenic for Aniridia 1; Irido-corneo-trabecular dysgenesis. Last evaluated: 2019-10-13. Review status: criteria provided, single submitter. Criteria: Invitae Variant Classification Sherloc (09022015). Collection method: clinical testing. Allele origin: germline.
Comment: For these reasons, this variant has been classified as Pathogenic. Loss-of-function variants in PAX6 are known to be pathogenic (PMID: 12634864). Algorithms developed to predict the effect of sequence changes on RNA splicing suggest that this variant may create or strengthen a splice site, but this prediction has not been confirmed by published transcriptional studies. This variant has been observed in individual(s) affected with PAX6-related conditions (PMID: 19898691). This variant is not present in population databases (ExAC no frequency). This sequence change creates a premature translational stop signal (p.Val111Serfs*13) in the PAX6 gene. It is expected to result in an absent or disrupted protein product.

Wessex Regional Genetics Laboratory, Salisbury District Hospital
Classification: Pathogenic for Aniridia 1. Last evaluated: 2019-08-15. Review status: no assertion criteria provided. Criteria: ACMG Guidelines, 2015. Collection method: clinical testing. Allele origin: de novo. Inheritance: Autosomal dominant inheritance. Affected: yes. Not counted in ClinVar's aggregate classification.

Literature cited by the submitters: PubMed 12634864 (cited by Labcorp Genetics (formerly Invitae), Labcorp); PubMed 19898691 (cited by Labcorp Genetics (formerly Invitae), Labcorp).

NM_001368894.2(PAX6):c.373del (p.Val125fs)

Gene: PAX6 (paired box 6; minus strand). Cytogenetic location: 11p13.
Variant type: Deletion.
Coding change: c.373del on transcript NM_001368894.2 (MANE Select); coding-DNA position 373, one base deleted (G; older notation c.373delG).
Protein change: p.Val125fs; shifts the reading frame from valine 125.
Molecular consequence: frameshift variant. On other transcripts: 5 prime UTR variant (14), non-coding transcript variant (2), intron variant (8).
Genome position (GRCh38, 1-based): chr11:31,801,587, C deleted on the plus strand (G on the coding strand, the reverse complement: PAX6 is on the minus strand); the first of 5 consecutive C bases (chr11:31,801,587-31,801,591); deleting any one gives the same sequence. VCF-style (leftmost placement, unchanged base first): chr11-31801586-AC-A. GRCh37 (hg19) VCF-style: chr11-31823134-AC-A.
Other names: c.448del, p.Val150fs (NM_001368919.2, NM_001368918.2); c.406del, p.Val136fs (NM_001368920.2); c.-78del (NM_001368929.2, NM_001310161.3, NM_001368899.2 and 8 more transcripts); c.198+175del (NM_001368921.2, NM_001368923.2, NM_001368926.2 and 4 more transcripts); c.373del, p.Val125fs (NM_001604.6, NM_001258462.3, NM_001258463.2 and 6 more transcripts); c.331del, p.Val111fs (NM_000280.6, NM_001127612.3, NM_001258464.2 and 10 more transcripts); c.-409del (NM_001310160.2, NM_001368902.2, NM_001368905.2); c.574del, p.Val192fs (NM_001368910.2); and 2 more; short protein forms V136fs, V111fs, V126fs, V150fs, V192fs, V125fs.
Identifiers: ClinVar variation 800423 (VCV000800423.12), dbSNP rs1357628990, ClinGen allele CA915948064.